The following is an entry in ClinVar:

NM_000844.4(GRM7):c.1358G>A (p.Arg453His)

Gene: GRM7 (glutamate metabotropic receptor 7; plus strand). Cytogenetic location: 3p26.1.
Variant type: single nucleotide variant.
Coding change: c.1358G>A on transcript NM_000844.4 (MANE Select); coding-DNA position 1358, G replaced by A.
Protein change: p.Arg453His; replaces arginine 453 with histidine.
Molecular consequence: missense variant.
Genome position (GRCh38, 1-based): chr3:7,452,790, G>A. VCF-style: chr3-7452790-G-A. GRCh37 (hg19) VCF-style: chr3-7494477-G-A.
Other names: c.1358G>A, p.Arg453His (NM_181874.3); short protein forms R453H.
Identifiers: ClinVar variation 1916185 (VCV001916185.5), dbSNP rs761621971, ClinGen allele CA2234870.

ClinVar aggregate classification (germline): Uncertain significance (1 of 4 stars; one submission).

Allele frequency attached by ClinVar (database versions not stated): ExAC 0.00001; gnomAD 0.00001; TOPMed 0.00001; gnomAD exomes 0.00002.
gnomAD v4.1: 29 of 1,609,658 alleles (0.0018%); highest among the groups gnomAD compares: Non-Finnish European, 0.0023%; no homozygotes.

Submission:

Labcorp Genetics (formerly Invitae), Labcorp
Classification: Uncertain significance. Last evaluated: 2022-06-19. Review status: criteria provided, single submitter. Criteria: Invitae Variant Classification Sherloc (09022015). Collection method: clinical testing. Allele origin: germline.
Comment: This sequence change replaces arginine, which is basic and polar, with histidine, which is basic and polar, at codon 453 of the GRM7 protein (p.Arg453His). This variant is present in population databases (rs761621971, gnomAD 0.003%). This variant has not been reported in the literature in individuals affected with GRM7-related conditions. Algorithms developed to predict the effect of missense changes on protein structure and function are either unavailable or do not agree on the potential impact of this missense change (SIFT: "Deleterious"; PolyPhen-2: "Probably Damaging"; Align-GVGD: "Class C0"). In summary, the available evidence is currently insufficient to determine the role of this variant in disease. Therefore, it has been classified as a Variant of Uncertain Significance.